The following is an entry in ClinVar:

ClinVar aggregate classification (germline): Likely pathogenic (1 of 4 stars; one submission).

Allele frequency attached by ClinVar (database versions not stated): gnomAD exomes below 0.00001; gnomAD 0.00001; TOPMed 0.00001.
gnomAD v4.1: 2 of 1,272,008 alleles (0.00016%); highest among the groups gnomAD compares: Non-Finnish European, 0.0002%; no homozygotes.

Submission:

Labcorp Genetics (formerly Invitae), Labcorp
Classification: Likely pathogenic. Last evaluated: 2025-03-19. Review status: criteria provided, single submitter. Criteria: Invitae Variant Classification Sherloc (09022015). Collection method: clinical testing. Allele origin: germline.
Comment: This sequence change affects a donor splice site in intron 1 of the TONSL gene. It is expected to disrupt RNA splicing. Variants that disrupt the donor or acceptor splice site typically lead to a loss of protein function (PMID: 16199547), and loss-of-function variants in TONSL are known to be pathogenic (PMID: 30773277). This variant is not present in population databases (gnomAD no frequency). This variant has not been reported in the literature in individuals affected with TONSL-related conditions. ClinVar contains an entry for this variant (Variation ID: 2032547). Algorithms developed to predict the effect of sequence changes on RNA splicing suggest that this variant may disrupt the consensus splice site. In summary, the currently available evidence indicates that the variant is pathogenic, but additional data are needed to prove that conclusively. Therefore, this variant has been classified as Likely Pathogenic.

Literature cited by the submitters: PubMed 16199547; PubMed 30773277.

NM_013432.5(TONSL):c.25+1G>C

Genes: TONSL (tonsoku like, DNA repair protein; minus strand), LOC130001399 (ATAC-STARR-seq lymphoblastoid silent region 19685; plus strand). Cytogenetic location: 8q24.3.
Variant type: single nucleotide variant.
Coding change: c.25+1G>C on transcript NM_013432.5 (MANE Select); the canonical splice donor site of the intron after coding-DNA position 25, G replaced by C.
Molecular consequence: splice donor variant.
Genome position (GRCh38, 1-based): chr8:144,444,389, C>G on the plus strand (G>C on the coding strand, the complement: TONSL is on the minus strand). VCF-style: chr8-144444389-C-G. GRCh37 (hg19) VCF-style: chr8-145669772-C-G.
Identifiers: ClinVar variation 2032547 (VCV002032547.4), dbSNP rs1823830929, ClinGen allele CA372680154.